The following is an entry in ClinVar:

ClinVar aggregate classification (germline): Conflicting classifications of pathogenicity. Review status: criteria provided, conflicting classifications (1 of 4 stars). 3 submissions from 3 submitters: Uncertain significance (2); Likely benign (1). Last evaluated 2024-03-22.

Conditions:
Inborn genetic diseases. Identifiers: MedGen C0950123, MeSH D030342.

Allele frequency attached by ClinVar (database versions not stated): TOPMed below 0.00001; gnomAD exomes below 0.00001; 1000 Genomes Project 0.00020; 1000 Genomes Project 30x 0.00031; ExAC 0.00002; gnomAD 0.00002.

Submissions (3):

Labcorp Genetics (formerly Invitae), Labcorp
Classification: Uncertain significance. Last evaluated: 2024-03-22. Review status: criteria provided, single submitter. Criteria: Invitae Variant Classification Sherloc (09022015). Collection method: clinical testing. Allele origin: germline.
Comment: This sequence change replaces lysine, which is basic and polar, with arginine, which is basic and polar, at codon 124 of the CHD8 protein (p.Lys124Arg). This variant is present in population databases (rs190228362, gnomAD 0.01%). This variant has not been reported in the literature in individuals affected with CHD8-related conditions. ClinVar contains an entry for this variant (Variation ID: 1734264). An algorithm developed to predict the effect of missense changes on protein structure and function (PolyPhen-2) suggests that this variant is likely to be tolerated. In summary, the available evidence is currently insufficient to determine the role of this variant in disease. Therefore, it has been classified as a Variant of Uncertain Significance.

GeneDx
Classification: Uncertain significance. Last evaluated: 2022-06-24. Review status: criteria provided, single submitter. Criteria: GeneDx Variant Classification Process June 2021. Collection method: clinical testing. Allele origin: germline. Affected: yes.
Comment: In silico analysis supports that this missense variant does not alter protein structure/function; Has not been previously published as pathogenic or benign to our knowledge

Ambry Genetics
Classification: Likely benign for Inborn genetic diseases. Last evaluated: 2017-11-21. Review status: criteria provided, single submitter. Criteria: Ambry Variant Classification Scheme 2023. Collection method: clinical testing. Allele origin: germline.

NM_001170629.2(CHD8):c.371A>G (p.Lys124Arg)

Gene: CHD8 (chromodomain helicase DNA binding protein 8; minus strand). Cytogenetic location: 14q11.2.
Variant type: single nucleotide variant.
Coding change: c.371A>G on transcript NM_001170629.2 (MANE Select); coding-DNA position 371, A replaced by G.
Protein change: p.Lys124Arg; replaces lysine 124 with arginine.
Molecular consequence: missense variant. On other transcripts: intron variant (1).
Genome position (GRCh38, 1-based): chr14:21,431,273, T>C on the plus strand (A>G on the coding strand, the complement: CHD8 is on the minus strand). VCF-style: chr14-21431273-T-C. GRCh37 (hg19) VCF-style: chr14-21899432-T-C.
Other names: c.6+538A>G (NM_020920.4); short protein forms K124R.
Identifiers: ClinVar variation 1734264 (VCV001734264.8), dbSNP rs190228362, ClinGen allele CA7091964.